The following is an entry in ClinVar:

ClinVar aggregate classification (germline): Uncertain significance (1 of 4 stars; one submission).

Allele frequency attached by ClinVar (database versions not stated): gnomAD exomes 0.00001; ExAC 0.00002; gnomAD 0.00003; TOPMed 0.00003; ESP Exome Variant Server 0.00015.

Submission:

GeneDx
Classification: Uncertain significance. Last evaluated: 2023-03-13. Review status: criteria provided, single submitter. Criteria: GeneDx Variant Classification Process June 2021. Collection method: clinical testing. Allele origin: germline. Affected: yes.
Comment: Not observed at significant frequency in large population cohorts (gnomAD); In silico analysis supports that this missense variant has a deleterious effect on protein structure/function; Has not been previously published as pathogenic or benign to our knowledge

NM_020971.3(SPTBN4):c.5566C>T (p.Arg1856Trp)

Gene: SPTBN4 (spectrin beta, non-erythrocytic 4; plus strand). Cytogenetic location: 19q13.2.
Variant type: single nucleotide variant.
Coding change: c.5566C>T on transcript NM_020971.3 (MANE Select); coding-DNA position 5566, C replaced by T.
Protein change: p.Arg1856Trp; replaces arginine 1856 with tryptophan.
Molecular consequence: missense variant.
Genome position (GRCh38, 1-based): chr19:40,557,299, C>T. VCF-style: chr19-40557299-C-T. GRCh37 (hg19) VCF-style: chr19-41063205-C-T.
Other names: c.1594C>T, p.Arg532Trp (NM_025213.3); short protein forms R1856W, R532W.
Identifiers: ClinVar variation 2579790 (VCV002579790.1), dbSNP rs368152529, ClinGen allele CA9446531.
Genomic context (GRCh38, chr19:40,557,299, plus strand): 5'-CTTCATAAGTTCTTCAGTGACGCCCGAGAGCTTCAGGGACAGATTGAGGAGAAGCGGAGG[C>T]GGCTGCCCCGCCTGACCACCCCGCCTGAGCCGAGACCCAGTGCCAGTTCCATGCAGCGGA-3'
Protein context (NP_066022.2, residues 1846-1866): LQGQIEEKRR[Arg1856Trp]LPRLTTPPEP